The following is an entry in ClinVar:

NM_025103.4(IFT74):c.69G>C (p.Arg23Ser)

Gene: IFT74 (intraflagellar transport 74; plus strand). Cytogenetic location: 9p21.2.
Variant type: single nucleotide variant.
Coding change: c.69G>C on transcript NM_025103.4 (MANE Select); coding-DNA position 69, G replaced by C.
Protein change: p.Arg23Ser; replaces arginine 23 with serine.
Molecular consequence: missense variant.
Genome position (GRCh38, 1-based): chr9:26,962,036, G>C. VCF-style: chr9-26962036-G-C. GRCh37 (hg19) VCF-style: chr9-26962034-G-C.
Other names: c.69G>C, p.Arg23Ser (NM_001099222.3, NM_001099223.3, NM_001099224.3 and 1 more transcripts); short protein forms R23S.
Identifiers: ClinVar variation 2104435 (VCV002104435.1), dbSNP rs775728464, ClinGen allele CA5014796.

ClinVar aggregate classification (germline): Uncertain significance (1 of 4 stars; one submission).

Allele frequency attached by ClinVar (database versions not stated): gnomAD 0.00001.
gnomAD v4.1: 6 of 1,614,012 alleles (0.00037%); highest among the groups gnomAD compares: South Asian, 0.0044%; no homozygotes.

Submission:

Labcorp Genetics (formerly Invitae), Labcorp
Classification: Uncertain significance. Last evaluated: 2022-02-28. Review status: criteria provided, single submitter. Criteria: Invitae Variant Classification Sherloc (09022015). Collection method: clinical testing. Allele origin: germline.
Comment: This sequence change replaces arginine, which is basic and polar, with serine, which is neutral and polar, at codon 23 of the IFT74 protein (p.Arg23Ser). This variant is present in population databases (rs775728464, gnomAD 0.003%). This variant has not been reported in the literature in individuals affected with IFT74-related conditions. Algorithms developed to predict the effect of missense changes on protein structure and function (SIFT, PolyPhen-2, Align-GVGD) all suggest that this variant is likely to be disruptive. In summary, the available evidence is currently insufficient to determine the role of this variant in disease. Therefore, it has been classified as a Variant of Uncertain Significance.